The following is an entry in ClinVar:

NM_001942.4(DSG1):c.555T>G (p.Asp185Glu)

Gene: DSG1 (desmoglein 1; plus strand). Cytogenetic location: 18q12.1.
Variant type: single nucleotide variant.
Coding change: c.555T>G on transcript NM_001942.4 (MANE Select); coding-DNA position 555, T replaced by G.
Protein change: p.Asp185Glu; replaces aspartic acid 185 with glutamic acid.
Molecular consequence: missense variant.
Genome position (GRCh38, 1-based): chr18:31,331,738, T>G. VCF-style: chr18-31331738-T-G. GRCh37 (hg19) VCF-style: chr18-28911701-T-G.
Other names: short protein forms D185E.
Identifiers: ClinVar variation 651793 (VCV000651793.8), dbSNP rs1598701633, ClinGen allele CA402129193.
Genomic context (GRCh38, chr18:31,331,738, plus strand): 5'-AATCAATTTTCCTTAATTTCTAGATACACTGGTGATGATACTCAATGCTACTGACGCAGA[T>G]GAACCGAACAATTTGAACTCAAAAATAGCCTTCAAGATTATAAGACAAGAACCTTCAGAT-3'
Protein context (NP_001933.2, residues 175-195): LVMILNATDA[Asp185Glu]EPNNLNSKIA

ClinVar aggregate classification (germline): Uncertain significance (1 of 4 stars; one submission).

Submission:

Labcorp Genetics (formerly Invitae), Labcorp
Classification: Uncertain significance. Last evaluated: 2018-08-11. Review status: criteria provided, single submitter. Criteria: Invitae Variant Classification Sherloc (09022015). Collection method: clinical testing. Allele origin: germline.
Comment: This variant is not present in population databases (ExAC no frequency). This variant has not been reported in the literature in individuals with DSG1-related disease. Algorithms developed to predict the effect of missense changes on protein structure and function are either unavailable or do not agree on the potential impact of this missense change (SIFT: "Deleterious"; PolyPhen-2: "Probably Damaging"; Align-GVGD: "Class C0"). In summary, the available evidence is currently insufficient to determine the role of this variant in disease. Therefore, it has been classified as a Variant of Uncertain Significance. This sequence change replaces aspartic acid with glutamic acid at codon 185 of the DSG1 protein (p.Asp185Glu). The aspartic acid residue is highly conserved and there is a small physicochemical difference between aspartic acid and glutamic acid.